The following is an entry in ClinVar:

NM_194277.3(FRMD7):c.1242C>G (p.Phe414Leu)

Gene: FRMD7 (FERM domain containing 7; minus strand). Cytogenetic location: Xq26.2.
Variant type: single nucleotide variant.
Coding change: c.1242C>G on transcript NM_194277.3 (MANE Select); coding-DNA position 1242, C replaced by G.
Protein change: p.Phe414Leu; replaces phenylalanine 414 with leucine.
Molecular consequence: missense variant.
Genome position (GRCh38, 1-based): chrX:132,078,775, G>C on the plus strand (C>G on the coding strand, the complement: FRMD7 is on the minus strand). VCF-style: chrX-132078775-G-C. GRCh37 (hg19) VCF-style: chrX-131212803-G-C.
Other names: c.1197C>G, p.Phe399Leu (NM_001306193.2); short protein forms F399L, F414L.
Identifiers: ClinVar variation 1041806 (VCV001041806.8), dbSNP rs773855252, ClinGen allele CA10518879.

ClinVar aggregate classification (germline): Uncertain significance (1 of 4 stars; one submission).

gnomAD v4.1: 8 of 1,211,461 alleles (0.00066%); highest among the groups gnomAD compares: Admixed American, 0.013%; no homozygotes.

Submission:

Labcorp Genetics (formerly Invitae), Labcorp
Classification: Uncertain significance. Last evaluated: 2025-10-01. Review status: criteria provided, single submitter. Criteria: Invitae Variant Classification Sherloc (09022015). Collection method: clinical testing. Allele origin: germline.
Comment: This sequence change replaces phenylalanine, which is neutral and non-polar, with leucine, which is neutral and non-polar, at codon 414 of the FRMD7 protein (p.Phe414Leu). This variant is present in population databases (rs773855252, gnomAD 0.03%). This variant has not been reported in the literature in individuals affected with FRMD7-related conditions. ClinVar contains an entry for this variant (Variation ID: 1041806). An algorithm developed to predict the effect of missense changes on protein structure and function (PolyPhen-2) suggests that this variant is likely to be disruptive. In summary, the available evidence is currently insufficient to determine the role of this variant in disease. Therefore, it has been classified as a Variant of Uncertain Significance.